The following is an entry in ClinVar:

ClinVar aggregate classification (germline): Uncertain significance (1 of 4 stars; one submission).

Conditions:
Gnathodiaphyseal dysplasia (GDD). Also called: GNATHODIAPHYSEAL SCLEROSIS; OSTEOGENESIS IMPERFECTA WITH UNUSUAL SKELETAL LESIONS. Identifiers: Orphanet 53697, MedGen C1833736, MONDO:0008151, OMIM 166260.
Autosomal recessive limb-girdle muscular dystrophy type 2L (LGMDR12). Also called: Limb-Girdle Muscular Dystrophy R12 Anoctamin-5-Related (LGMD-R12); Limb-girdle muscular dystrophy, type 2L; MUSCULAR DYSTROPHY, LIMB-GIRDLE, AUTOSOMAL RECESSIVE 12. Identifiers: Orphanet 206549, MedGen C1969785, MONDO:0012652, OMIM 611307.

Allele frequency attached by ClinVar (database versions not stated): gnomAD 0.00001.
gnomAD v4.1: 1 of 1,613,446 alleles (0.000062%); highest among the groups gnomAD compares: African/African-American, 0.0013%; no homozygotes.

Submission:

Labcorp Genetics (formerly Invitae), Labcorp
Classification: Uncertain significance for Autosomal recessive limb-girdle muscular dystrophy type 2L; Gnathodiaphyseal dysplasia. Last evaluated: 2022-04-27. Review status: criteria provided, single submitter. Criteria: Invitae Variant Classification Sherloc (09022015). Collection method: clinical testing. Allele origin: germline.
Comment: In summary, the available evidence is currently insufficient to determine the role of this variant in disease. Therefore, it has been classified as a Variant of Uncertain Significance. Advanced modeling of protein sequence and biophysical properties (such as structural, functional, and spatial information, amino acid conservation, physicochemical variation, residue mobility, and thermodynamic stability) performed at Invitae indicates that this missense variant is not expected to disrupt ANO5 protein function. This variant has not been reported in the literature in individuals affected with ANO5-related conditions. This variant is present in population databases (no rsID available, gnomAD 0.01%). This sequence change replaces isoleucine, which is neutral and non-polar, with methionine, which is neutral and non-polar, at codon 158 of the ANO5 protein (p.Ile158Met).

NM_213599.3(ANO5):c.474T>G (p.Ile158Met)

Gene: ANO5 (anoctamin 5; plus strand). Cytogenetic location: 11p14.3.
Variant type: single nucleotide variant.
Coding change: c.474T>G on transcript NM_213599.3 (MANE Select); coding-DNA position 474, T replaced by G.
Protein change: p.Ile158Met; replaces isoleucine 158 with methionine.
Molecular consequence: missense variant.
Genome position (GRCh38, 1-based): chr11:22,227,412, T>G. VCF-style: chr11-22227412-T-G. GRCh37 (hg19) VCF-style: chr11-22248958-T-G.
Other names: c.471T>G, p.Ile157Met (NM_001142649.2); c.432T>G, p.Ile144Met (NM_001410963.1); c.429T>G, p.Ile143Met (NM_001410964.1); short protein forms I143M, I144M, I157M, I158M.
Identifiers: ClinVar variation 2165760 (VCV002165760.4), dbSNP rs1287869775, ClinGen allele CA379919729.
Genomic context (GRCh38, chr11:22,227,412, plus strand): 5'-GGTATTAGTTACCTATGCTGAAGTCTTGGGAATCAAAATGCCTATTAAGGAGAGTGATAT[T>G]CCCCGCCCTAAGCACACTCCTATAAGCTATGTGCTTGGACCTGTAAGACTCCCACTGAGT-3'
Protein context (NP_998764.1, residues 148-168): GIKMPIKESD[Ile158Met]PRPKHTPISY